The following is an entry in ClinVar:

ClinVar aggregate classification (germline): Pathogenic (1 of 4 stars; one submission).

Submission:

GeneDx
Classification: Pathogenic. Last evaluated: 2024-03-29. Review status: criteria provided, single submitter. Criteria: GeneDx Variant Classification Process June 2021. Collection method: clinical testing. Allele origin: germline. Affected: yes.
Comment: Nonsense variant predicted to result in protein truncation or nonsense mediated decay in a gene for which loss of function is a known mechanism of disease; Not observed at significant frequency in large population cohorts (gnomAD); Has not been previously published as pathogenic or benign to our knowledge

NM_015443.4(KANSL1):c.2191del (p.Phe730_Leu731insTer)

Gene: KANSL1 (KAT8 regulatory NSL complex subunit 1). Cytogenetic location: 17q21.31.
Variant type: Deletion.
Coding change: c.2191del on transcript NM_015443.4 (MANE Select); coding-DNA position 2191, one base deleted.
Protein change: p.Phe730_Leu731insTer.
Molecular consequence: nonsense.
Genome position: GRCh38 VCF-style: chr17-46039713-AG-A. GRCh37 (hg19) VCF-style: chr17-44117079-AG-A.
Other names: c.2191del, p.Phe730_Leu731insTer (NM_001193465.2, NM_001193466.2, NM_001379198.1 and 14 more transcripts); c.2089del, p.Phe696_Leu697insTer (NM_001405859.1, NM_001405860.1, NM_001405861.1 and 1 more transcripts); c.925del, p.Phe308_Leu309insTer (NM_001405882.1, NM_001405883.1, NM_001405884.1 and 1 more transcripts).
Identifiers: ClinVar variation 3371911 (VCV003371911.1).